The following is an entry in ClinVar:

NM_033380.3(COL4A5):c.1835G>A (p.Gly612Asp)

Gene: COL4A5 (collagen type IV alpha 5 chain; plus strand). Cytogenetic location: Xq22.3.
Variant type: single nucleotide variant.
Coding change: c.1835G>A on transcript NM_033380.3 (MANE Select); coding-DNA position 1835, G replaced by A.
Protein change: p.Gly612Asp; replaces glycine 612 with aspartic acid.
Molecular consequence: missense variant.
Genome position (GRCh38, 1-based): chrX:108,598,757, G>A. VCF-style: chrX-108598757-G-A. GRCh37 (hg19) VCF-style: chrX-107841987-G-A.
Other names: c.1835G>A, p.Gly612Asp (NM_000495.5); short protein forms G612D.
Identifiers: ClinVar variation 1455636 (VCV001455636.5), dbSNP rs281874680, ClinGen allele CA261063.
Genomic context (GRCh38, chrX:108,598,757, plus strand): 5'-TTTAGGGTGGAATTACTTTTAAGGGTGAAAGAGGTCCCCCTGGGAACCCAGGTTTACCAG[G>A]CCTCCCAGGGAATATAGGGCCTATGGGTCCCCCTGGTTTCGGCCCTCCAGGCCCAGTAGG-3'
Protein context (NP_203699.1, residues 602-622): RGPPGNPGLP[Gly612Asp]LPGNIGPMGP

ClinVar aggregate classification (germline): Pathogenic (1 of 4 stars; one submission).

Submission:

Labcorp Genetics (formerly Invitae), Labcorp
Classification: Pathogenic. Last evaluated: 2021-07-29. Review status: criteria provided, single submitter. Criteria: Invitae Variant Classification Sherloc (09022015). Collection method: clinical testing. Allele origin: germline.
Comment: This missense change has been observed in individuals with Alport syndrome (PMID: 19728970, 21505094). For these reasons, this variant has been classified as Pathogenic. This variant disrupts the triple helix domain of COL4A5. Glycine residues within the Gly-Xaa-Yaa repeats of the triple helix domain are required for the structure and stability of fibrillar collagens (PMID: 7695699, 8218237, 19344236). In COL4A5, missense variants at these glycine residues are significantly enriched in individuals with disease (PMID: 23720012, 27627812) compared to the general population (ExAC). Advanced modeling of protein sequence and biophysical properties (such as structural, functional, and spatial information, amino acid conservation, physicochemical variation, residue mobility, and thermodynamic stability) performed at Invitae indicates that this missense variant is expected to disrupt COL4A5 protein function. ClinVar contains an entry for this variant (Variation ID: 38758). This variant is not present in population databases (ExAC no frequency). This sequence change replaces glycine with aspartic acid at codon 612 of the COL4A5 protein (p.Gly612Asp). The glycine residue is highly conserved and there is a moderate physicochemical difference between glycine and aspartic acid.

Literature cited by the submitters: PubMed 19728970; PubMed 21505094; PubMed 7695699; PubMed 8218237; PubMed 19344236; PubMed 23720012; PubMed 27627812.